The following is an entry in ClinVar:

ClinVar aggregate classification (germline): Uncertain significance (1 of 4 stars; one submission).

Conditions:
Neurodevelopmental disorder. Identifiers: MedGen C1535926, MeSH D065886, MONDO:0700092.

Submission:

Victorian Clinical Genetics Services, Murdoch Childrens Research Institute
Classification: Uncertain significance for Neurodevelopmental disorder. Last evaluated: 2020-05-25. Review status: criteria provided, single submitter. Criteria: ACMG Guidelines, 2015. Collection method: clinical testing. Allele origin: germline. Inheritance: Autosomal dominant inheritance. Affected: yes.
Comment: Based on the classification scheme VCGS_Germline_v0.6.1, this variant is classified as 3C - VUS. Following criteria are met: 0105 - Mechanism of disease for this gene is unknown. 0107 - This gene is known to be associated with autosomal dominant disease. 0200 - Variant is predicted to result in a missense amino acid change from tyrosine to phenylalanine (exon 7). 0301 - Variant is absent from gnomAD. 0502 - Missense variant with conflicting in-silico predictions and uninformative conservation. 0600 - Variant is located in an annotated domain or motif that does not have a well established function. 0705 - No comparable variants in relevant codon/region have previous evidence for pathogenicity. 0807 - Variant has not previously been reported in a clinical context. 0905 - No published segregation evidence has been identified for this variant. 1007 - No published functional evidence has been identified for this variant. Legend: (P) - Pathogenic, (N) - Neutral, (B) - Benign

NM_002069.6(GNAI1):c.869A>T (p.Tyr290Phe)

Gene: GNAI1 (G protein subunit alpha i1; plus strand). Cytogenetic location: 7q21.11.
Variant type: single nucleotide variant.
Coding change: c.869A>T on transcript NM_002069.6 (MANE Select); coding-DNA position 869, A replaced by T.
Protein change: p.Tyr290Phe; replaces tyrosine 290 with phenylalanine.
Molecular consequence: missense variant.
Genome position (GRCh38, 1-based): chr7:80,212,864, A>T. VCF-style: chr7-80212864-A-T. GRCh37 (hg19) VCF-style: chr7-79842180-A-T.
Other names: c.713A>T, p.Tyr238Phe (NM_001256414.2); short protein forms Y238F, Y290F.
Identifiers: ClinVar variation 1699448 (VCV001699448.3), dbSNP rs2115713066, ClinGen allele CA368013207.